The following is an entry in ClinVar:

NM_001365536.1(SCN9A):c.1259A>G (p.Glu420Gly)

Genes: SCN9A (sodium voltage-gated channel alpha subunit 9; minus strand), SCN1A-AS1 (SCN1A and SCN9A antisense RNA 1; plus strand). Cytogenetic location: 2q24.3.
Variant type: single nucleotide variant.
Coding change: c.1259A>G on transcript NM_001365536.1 (MANE Select); coding-DNA position 1259, A replaced by G.
Protein change: p.Glu420Gly; replaces glutamic acid 420 with glycine.
Molecular consequence: missense variant.
Genome position (GRCh38, 1-based): chr2:166,288,492, T>C on the plus strand (A>G on the coding strand, the complement: SCN9A is on the minus strand). VCF-style: chr2-166288492-T-C. GRCh37 (hg19) VCF-style: chr2-167145002-T-C.
Other names: c.1259A>G, p.Glu420Gly (NM_002977.4); short protein forms E420G.
Identifiers: ClinVar variation 2938077 (VCV002938077.3), dbSNP rs1697891123, ClinGen allele CA349085763.

ClinVar aggregate classification (germline): Uncertain significance (1 of 4 stars; one submission).

Conditions:
Neuropathy, hereditary sensory and autonomic, type 2A (HSAN2A). Also called: ACROOSTEOLYSIS, GIACCAI TYPE; ACROOSTEOLYSIS, NEUROGENIC; MORVAN DISEASE; NEUROPATHY, CONGENITAL SENSORY; NEUROPATHY, HEREDITARY SENSORY RADICULAR, AUTOSOMAL RECESSIVE; NEUROPATHY, HEREDITARY SENSORY, TYPE IIA. Identifiers: Orphanet 970, MedGen C2752089, MONDO:0024309, OMIM 201300.
Generalized epilepsy with febrile seizures plus, type 7 (GEFSP7). Also called: GEFS+, TYPE 7. Identifiers: Orphanet 36387, MedGen C2751778, MONDO:0013470, OMIM 613863.

Allele frequency attached by ClinVar (database versions not stated): gnomAD 0.00001.
gnomAD v4.1: 1 of 1,613,134 alleles (0.000062%); highest among the groups gnomAD compares: African/African-American, 0.0013%; no homozygotes.

Submission:

Labcorp Genetics (formerly Invitae), Labcorp
Classification: Uncertain significance for Neuropathy, hereditary sensory and autonomic, type 2A; Generalized epilepsy with febrile seizures plus, type 7. Last evaluated: 2023-03-08. Review status: criteria provided, single submitter. Criteria: Invitae Variant Classification Sherloc (09022015). Collection method: clinical testing. Allele origin: germline.
Comment: In summary, the available evidence is currently insufficient to determine the role of this variant in disease. Therefore, it has been classified as a Variant of Uncertain Significance. Advanced modeling of protein sequence and biophysical properties (such as structural, functional, and spatial information, amino acid conservation, physicochemical variation, residue mobility, and thermodynamic stability) performed at Invitae indicates that this missense variant is not expected to disrupt SCN9A protein function. This variant has not been reported in the literature in individuals affected with SCN9A-related conditions. This variant is not present in population databases (gnomAD no frequency). This sequence change replaces glutamic acid, which is acidic and polar, with glycine, which is neutral and non-polar, at codon 420 of the SCN9A protein (p.Glu420Gly).